The following is an entry in ClinVar:

NM_001098.3(ACO2):c.84A>G (p.Gln28=)

Gene: ACO2 (aconitase 2; plus strand). Cytogenetic location: 22q13.2.
Variant type: single nucleotide variant.
Coding change: c.84A>G on transcript NM_001098.3 (MANE Select); coding-DNA position 84, A replaced by G.
Protein change: p.Gln28=; no amino-acid change (glutamine 28 retained).
Molecular consequence: synonymous variant.
Genome position (GRCh38, 1-based): chr22:41,499,773, A>G. VCF-style: chr22-41499773-A-G. GRCh37 (hg19) VCF-style: chr22-41895777-A-G.
Identifiers: ClinVar variation 257432 (VCV000257432.10), dbSNP rs150850549, ClinGen allele CA10257276.

ClinVar aggregate classification (germline): Benign/Likely benign. Review status: criteria provided, multiple submitters, no conflicts (2 of 4 stars). 4 submissions from 4 submitters: Benign (2); Likely benign (2). Last evaluated 2025-12-20.

Allele frequency attached by ClinVar (database versions not stated): gnomAD exomes 0.00014 and 0.00034; ExAC 0.00036; ESP Exome Variant Server 0.00100; TOPMed 0.00138; gnomAD 0.00146 and 0.00148; 1000 Genomes Project 30x 0.00219; 1000 Genomes Project 0.00240.
gnomAD v4.1: 432 of 1,613,976 alleles (0.027%); highest among the groups gnomAD compares: African/African-American, 0.53%; 3 homozygotes.

Submissions (4):

Labcorp Genetics (formerly Invitae), Labcorp
Classification: Benign. Last evaluated: 2025-12-20. Review status: criteria provided, single submitter. Criteria: Invitae Variant Classification Sherloc (09022015). Collection method: clinical testing. Allele origin: germline.

Blueprint Genetics
Classification: Likely benign. Last evaluated: 2023-11-20. Review status: criteria provided, single submitter. Criteria: ACMG Guidelines, 2015. Collection method: clinical testing. Allele origin: germline.

GeneDx
Classification: Likely benign. Last evaluated: 2016-04-25. Review status: criteria provided, single submitter. Criteria: GeneDx Variant Classification (06012015). Collection method: clinical testing. Allele origin: germline. Affected: yes.
Comment: This variant is considered likely benign or benign based on one or more of the following criteria: it is a conservative change, it occurs at a poorly conserved position in the protein, it is predicted to be benign by multiple in silico algorithms, and/or has population frequency not consistent with disease.

PreventionGenetics, part of Exact Sciences
Classification: Benign. Review status: criteria provided, single submitter. Criteria: ACMG Guidelines, 2015. Collection method: clinical testing. Allele origin: germline.